The following is an entry in ClinVar:

ClinVar aggregate classification (germline): Uncertain significance (1 of 4 stars; one submission).

gnomAD v4.1: 4 of 1,600,958 alleles (0.00025%); highest among the groups gnomAD compares: East Asian, 0.0023%; no homozygotes.

Submission:

Women's Health and Genetics/Laboratory Corporation of America, LabCorp
Classification: Uncertain significance. Last evaluated: 2026-02-23. Review status: criteria provided, single submitter. Criteria: LabCorp Variant Classification Summary - May 2015. Collection method: clinical testing. Allele origin: germline.
Comment: Variant summary: RALA c.530C>T (p.Ala177Val) results in a non-conservative amino acid change in the encoded protein sequence. Algorithms developed to predict the effect of missense changes on protein structure and function are either unavailable or do not agree on the potential impact of this missense change. The variant allele was found at a frequency of 8.2e-06 in 244338 control chromosomes. The available data on variant occurrences in the general population are insufficient to allow any conclusion about variant significance. To our knowledge, no occurrence of c.530C>T in individuals affected with RALA-related conditions and no experimental evidence demonstrating its impact on protein function have been reported. ClinVar contains an entry for this variant (Variation ID: 3366733). Based on the evidence outlined above, the variant was classified as uncertain significance.

NM_005402.4(RALA):c.530C>T (p.Ala177Val)

Gene: RALA (RAS like proto-oncogene A; plus strand). Cytogenetic location: 7p14.1.
Variant type: single nucleotide variant.
Coding change: c.530C>T on transcript NM_005402.4 (MANE Select); coding-DNA position 530, C replaced by T.
Protein change: p.Ala177Val; replaces alanine 177 with valine.
Molecular consequence: missense variant.
Genome position (GRCh38, 1-based): chr7:39,706,154, C>T. VCF-style: chr7-39706154-C-T. GRCh37 (hg19) VCF-style: chr7-39745753-C-T.
Other names: short protein forms A177V.
Identifiers: ClinVar variation 3366733 (VCV003366733.2).